The following is an entry in ClinVar:

NM_004656.4(BAP1):c.2056+5G>C

Gene: BAP1 (BRCA1 associated deubiquitinase 1; minus strand). Cytogenetic location: 3p21.1.
Variant type: single nucleotide variant.
Coding change: c.2056+5G>C on transcript NM_004656.4 (MANE Select); 5 bases into the intron after coding-DNA position 2056, G replaced by C.
Molecular consequence: intron variant.
Genome position (GRCh38, 1-based): chr3:52,402,597, C>G on the plus strand (G>C on the coding strand, the complement: BAP1 is on the minus strand). VCF-style: chr3-52402597-C-G. GRCh37 (hg19) VCF-style: chr3-52436613-C-G.
Other names: c.2056+5G>C (NM_004656.2).
Identifiers: ClinVar variation 1422181 (VCV001422181.14), dbSNP rs2153226174, ClinGen allele CA2573137276.

ClinVar aggregate classification (germline): Uncertain significance. Review status: criteria provided, multiple submitters, no conflicts (2 of 4 stars). 3 submissions from 3 submitters: Uncertain significance (3). Last evaluated 2026-03-25.

Conditions:
Hereditary cancer-predisposing syndrome. Also called: Hereditary neoplastic syndrome; Tumor predisposition; Hereditary Cancer Syndrome; Neoplastic Syndromes, Hereditary. Identifiers: Orphanet 140162, MedGen C0027672, MeSH D009386, MONDO:0015356.
BAP1-related tumor predisposition syndrome (TPDS1). Also called: COMMON Syndrome; Tumor susceptibility linked to germline BAP1 mutations; BAP1 tumor predisposition syndrome; TUMOR PREDISPOSITION SYNDROME 1. Identifiers: Orphanet 289539, MedGen C3280492, MONDO:0013692, OMIM 614327.

Submissions (3):

Ambry Genetics
Classification: Uncertain significance for Hereditary cancer-predisposing syndrome. Last evaluated: 2026-03-25. Review status: criteria provided, single submitter. Criteria: Ambry Variant Classification Scheme 2023. Collection method: clinical testing. Allele origin: germline.
Comment: The c.2056+5G>C intronic variant results from a G to C substitution 5 nucleotides after coding exon 16 in the BAP1 gene. This nucleotide position is well conserved in available vertebrate species. In silico splice site analysis predicts that this alteration will not have any significant effect on splicing. Based on the available evidence, the clinical significance of this variant remains unclear.

Labcorp Genetics (formerly Invitae), Labcorp
Classification: Uncertain significance for BAP1-related tumor predisposition syndrome. Last evaluated: 2025-08-30. Review status: criteria provided, single submitter. Criteria: Invitae Variant Classification Sherloc (09022015). Collection method: clinical testing. Allele origin: germline.
Comment: This sequence change falls in intron 16 of the BAP1 gene. It does not directly change the encoded amino acid sequence of the BAP1 protein. It affects a nucleotide within the consensus splice site. This variant is not present in population databases (gnomAD no frequency). This variant has not been reported in the literature in individuals affected with BAP1-related conditions. ClinVar contains an entry for this variant (Variation ID: 1422181). Variants that disrupt the consensus splice site are a relatively common cause of aberrant splicing (PMID: 17576681, 9536098). Algorithms developed to predict the effect of sequence changes on RNA splicing suggest that this variant may disrupt the consensus splice site. In summary, the available evidence is currently insufficient to determine the role of this variant in disease. Therefore, it has been classified as a Variant of Uncertain Significance.

CeGaT Center for Human Genetics Tuebingen
Classification: Uncertain significance. Last evaluated: 2025-04-01. Review status: criteria provided, single submitter. Criteria: CeGaT Center For Human Genetics Tuebingen Variant Classification Criteria Version 2. Collection method: clinical testing. Allele origin: germline. Affected: yes. Observed: 1 variant allele.
Comment: BAP1: PM2, BP4

Literature cited by the submitters: PubMed 17576681 (cited by Labcorp Genetics (formerly Invitae), Labcorp); PubMed 9536098 (cited by Labcorp Genetics (formerly Invitae), Labcorp).